The following is an entry in ClinVar:

ClinVar aggregate classification (germline): Pathogenic/Likely pathogenic. Review status: criteria provided, multiple submitters, no conflicts (2 of 4 stars). 13 submissions from 13 submitters: Pathogenic (10); Likely pathogenic (2). 1 of the submissions does not count toward it. Last evaluated 2026-07-10.

Conditions:
DHCR7-related disorder. Also called: DHCR7-related condition.
Inborn genetic diseases. Identifiers: MedGen C0950123, MeSH D030342.
Smith-Lemli-Opitz syndrome (SLOS). Also called: 7-Dehydrocholesterol reductase deficiency; LETHAL ACRODYSGENITAL SYNDROME; POLYDACTYLY, SEX REVERSAL, RENAL HYPOPLASIA, AND UNILOBAR LUNG; RSH SYNDROME; RUTLEDGE LETHAL MULTIPLE CONGENITAL ANOMALY SYNDROME. Identifiers: Orphanet 818, MedGen C0175694, MONDO:0010035, OMIM 270400.

Allele frequency attached by ClinVar (database versions not stated): gnomAD 0.00001; TOPMed 0.00004; ESP Exome Variant Server 0.00008.
gnomAD v4.1: 38 of 1,614,112 alleles (0.0024%); highest among the groups gnomAD compares: African/African-American, 0.004%; no homozygotes.

Submissions (13):

PreventionGenetics, part of Exact Sciences
Classification: Pathogenic for DHCR7-related condition. Last evaluated: 2026-07-10. Review status: criteria provided, single submitter. Criteria: ACMG Guidelines, 2015. Collection method: clinical testing. Allele origin: germline.
Comment: The DHCR7 c.506C>T variant is predicted to result in the amino acid substitution p.Ser169Leu. This variant has been reported with other DHCR7 variants in multiple individuals with Smith-Lemli-Opitz syndrome (Yu et al. 2000. PubMed ID: 10814720; Eroglu et al. 2017. PubMed ID: 28349652; Supplementary Table 1, Sukenik-Halevy et al. 2022. PubMed ID: 35032046) and noted to be one of the more frequent variants across various ethnicities causitive for the disorder (Waterham and Wanders. 2000. PubMed ID: 11111101; Boland et al. 2016. PubMed ID: 27401223; Kovács et al. 2026. PubMed ID: 41751549). This variant is reported in 0.0079% of alleles in individuals of European (non-Finnish) descent in gnomAD and is interpreted as pathogenic or likely pathogenic in ClinVar (Variation ID: 21274). This variant is interpreted as pathogenic.

Clinical Genetics and Genomics, Karolinska University Hospital
Classification: Pathogenic for Smith-Lemli-Opitz syndrome. Last evaluated: 2026-01-20. Review status: criteria provided, single submitter. Criteria: ACMG Guidelines, 2015. Collection method: clinical testing. Allele origin: germline. Inheritance: Autosomal recessive inheritance. Affected: yes.

Natera, Inc.
Classification: Pathogenic for Smith-Lemli-Opitz syndrome. Last evaluated: 2025-09-19. Review status: criteria provided, single submitter. Criteria: Natera Variant Classification Schema (03/2026). Collection method: clinical testing. Allele origin: germline.
Comment: The c.506C>T variant in DHCR7 is a missense variant predicted to cause substitution of serine to leucine at amino acid 169. This variant is rare in the general population with a frequency below the threshold expected for the associated phenotype(s). This variant has been observed in one or more individuals affected with the associated recessive disease, as either homozygous or compound heterozygous with a second variant (PMID: 15896653, 10814720). Given the available evidence, this variant is classified as Pathogenic.

Blueprint Genetics
Classification: Pathogenic for DHCR7-related disorders. Last evaluated: 2024-09-07. Review status: criteria provided, single submitter. Criteria: ACMG Guidelines, 2015. Collection method: clinical testing. Allele origin: germline. Affected: yes. Observed: 3 variant alleles.

Labcorp Genetics (formerly Invitae), Labcorp
Classification: Pathogenic for Smith-Lemli-Opitz syndrome. Last evaluated: 2024-07-15. Review status: criteria provided, single submitter. Criteria: Invitae Variant Classification Sherloc (09022015). Collection method: clinical testing. Allele origin: germline.
Comment: This sequence change replaces serine, which is neutral and polar, with leucine, which is neutral and non-polar, at codon 169 of the DHCR7 protein (p.Ser169Leu). This variant is present in population databases (rs80338855, gnomAD 0.008%). This missense change has been observed in individual(s) with Smith-Lemli-Opitz syndrome (PMID: 10814720, 15896653, 21990131, 22226660, 22391996). ClinVar contains an entry for this variant (Variation ID: 21274). Advanced modeling of protein sequence and biophysical properties (such as structural, functional, and spatial information, amino acid conservation, physicochemical variation, residue mobility, and thermodynamic stability) performed at Invitae indicates that this missense variant is expected to disrupt DHCR7 protein function with a positive predictive value of 95%. For these reasons, this variant has been classified as Pathogenic.

Revvity Omics, Revvity
Classification: Pathogenic for Smith-Lemli-Opitz syndrome. Last evaluated: 2023-07-18. Review status: criteria provided, single submitter. Criteria: ACMG Guidelines, 2015. Collection method: clinical testing. Allele origin: germline.

Genetics and Molecular Pathology, SA Pathology
Classification: Pathogenic for Smith-Lemli-Opitz syndrome. Last evaluated: 2021-11-08. Review status: criteria provided, single submitter. Criteria: ACMG Guidelines, 2015. Collection method: clinical testing. Allele origin: germline. Inheritance: Autosomal recessive inheritance. Affected: yes.
Comment: The DHCR7 c.506C>T variant is a single nucleotide change in exon 6/9 of the DHCR7 gene, which is predicted to change the amino acid serine at position 169 in the protein to leucine. The variant is rare in gnomAD (1/152,224 heterozygotes, 0 homozygotes) (PM2). The same compound heterozygous genoype has also been reported in at least two other families with a confirmed diagnosis of Smith-Lemli-Opitz syndrome (PMID: 27401223) (PM3_strong). The variant has been identified in at least 7 probands with a clinical presentation of Smith-Lemli-Opitz syndrome; this represents a significant increase in the prevalence of the variant in affected individuals compared with the prevalence in control subjects (PS4_strong). The variant has been reported as pathogenic by other diagnostic laboratories (ClinVar Variation ID: 21274) and has been reported in the HGMD database: CM001124. Computational predictions support a deleterious effect on the gene or gene product (PP3).

Women's Health and Genetics/Laboratory Corporation of America, LabCorp
Classification: Pathogenic for Smith-Lemli-Opitz syndrome. Last evaluated: 2020-06-14. Review status: criteria provided, single submitter. Criteria: LabCorp Variant Classification Summary - May 2015. Collection method: clinical testing. Allele origin: germline.
Comment: Variant summary: DHCR7 c.506C>T (p.Ser169Leu) results in a non-conservative amino acid change located in the Transmembrane domain of the encoded protein sequence. Five of five in-silico tools predict a damaging effect of the variant on protein function. The variant allele was found at a frequency of 4.8e-05 in 250928 control chromosomes. c.506C>T has been reported in the literature in multiple individuals affected with Smith-Lemli-Opitz Syndrome (example, Yu_2000, Witsch-Baumgartner_2000, Bianconi_2011, Roullet_2012, Quelin_2012, Eroglu_2017). These data indicate that the variant is very likely to be associated with disease. One publication reports experimental evidence evaluating an impact on protein function, however, does not allow convincing conclusions about the variant effect due to the compound heterozygous genotype of the cell line evaluated (Ginat_2004). Four clinical diagnostic laboratories have submitted clinical-significance assessments for this variant to ClinVar after 2014 without evidence for independent evaluation (Pathogenic, n=1; Likely pathogenic, n=2; VUS, n=1). Some submitters have cited overlapping evidence utilized in the context of this evaluation. Based on the evidence outlined above, the variant was classified as pathogenic.

ARUP Laboratories, Molecular Genetics and Genomics, ARUP Laboratories
Classification: Pathogenic for Smith-Lemli-Opitz syndrome. Last evaluated: 2020-02-03. Review status: criteria provided, single submitter. Criteria: ARUP Molecular Germline Variant Investigation Process. Collection method: clinical testing. Allele origin: germline.
Comment: The DHCR7 c.506C>T, p.Ser169Leu variant (rs80338855) has been reported in multiple patients diagnosed with Smith-Lemli-Opitz syndrome (Correa-Cerro 2005, Witsch-Baumgartner 2000), and found with another pathogenic variant in one individual (Yu 2000). It is listed in ClinVar (Variation ID: 21274), and is observed in the general population databases at a frequency of 0.008 percent in the Exome Variant Server (1/12988 alleles), and 0.005 percent in the Genome Aggregation Database (12/245720 alleles). Based on the high frequency of this variant in published reports of Smith-Lemli-Opitz syndrome, the p.Ser169Leu variant is classified as pathogenic. References: Correa-Cerro L et al. 3beta-hydroxysterol Delta7-reductase and the Smith-Lemli-Opitz syndrome. Mol Genet Metab. 2005; 84(2):112-26. Witsch-Baumgartner M et al. Mutational spectrum in the Delta7-sterol reductase gene and genotype-phenotype correlation in 84 patients with Smith-Lemli-Opitz syndrome. Am J Hum Genet. 2000; 66(2):402-12. Yu H et al. Spectrum of Delta(7)-dehydrocholesterol reductase mutations in patients with the Smith-Lemli-Opitz (RSH) syndrome. Hum Mol Genet. 2000; 9(9):1385-91.

Myriad Genetics, Inc.
Classification: Likely pathogenic for Smith-Lemli-Opitz syndrome. Last evaluated: 2019-12-09. Review status: criteria provided, single submitter. Criteria: Myriad Women's Health Autosomal Recessive and X-Linked Classification Criteria (2019). Collection method: clinical testing. Allele origin: unknown.
Comment: NM_001360.2(DHCR7):c.506C>T(S169L) is classified as likely pathogenic in the context of Smith-Lemli-Opitz syndrome. Sources cited for classification include the following: PMID 15464432, 10814720, 22226660, 22391996, 21990131 and 10677299. Classification of NM_001360.2(DHCR7):c.506C>T(S169L) is based on the following criteria: This variant has been observed more frequently in patients with clinical diagnoses than in healthy populations. Please note: this variant was assessed in the context of healthy population screening.

Ambry Genetics
Classification: Pathogenic for Inborn genetic diseases. Last evaluated: 2018-01-26. Review status: criteria provided, single submitter. Criteria: Ambry Variant Classification Scheme 2023. Collection method: clinical testing. Allele origin: germline.
Comment: The p.S169L pathogenic mutation (also known as c.506C>T), located in coding exon 4 of the DHCR7 gene, results from a C to T substitution at nucleotide position 506. The serine at codon 169 is replaced by leucine, an amino acid with dissimilar properties. This mutation has been identified in conjunction with a second DHCR7 alteration in multiple individuals with Smith-Lemli-Opitz syndrome (Witsch-Baumgartner M et al. Am. J. Hum. Genet., 2000 Feb;66:402-12; Yu H et al. Hum. Mol. Genet., 2000 May;9:1385-91; Ginat S et al. Mol. Genet. Metab., 2004;83:175-83; Bianconi SE et al. Am. J. Med. Genet. A, 2011 Nov;155A:2732-8; Roullet JB et al. J. Inherit. Metab. Dis., 2012 Sep;35:859-69). Based on the supporting evidence, this alteration is interpreted as a disease-causing mutation.

Genetic Services Laboratory, University of Chicago
Classification: Likely pathogenic. Last evaluated: 2017-10-31. Review status: criteria provided, single submitter. Criteria: ACMG Guidelines, 2015. Collection method: clinical testing. Allele origin: germline. Affected: yes.

GeneReviews
No classification provided. Condition: Smith-Lemli-Opitz syndrome. Review status: no classification provided. Collection method: literature only. Allele origin: unknown. Not counted in ClinVar's aggregate classification.

Literature cited by the submitters: PubMed 15896653 (cited by Natera, Inc. and Labcorp Genetics (formerly Invitae), Labcorp); PubMed 10814720 (cited by 5 submitters); PubMed 21990131 (cited by 4 submitters); PubMed 22226660 (cited by 4 submitters); PubMed 22391996 (cited by 4 submitters); PubMed 27401223 (cited by Genetics and Molecular Pathology, SA Pathology); PubMed 10677299 (cited by 3 submitters); PubMed 28349652 (cited by Women's Health and Genetics/Laboratory Corporation of America, LabCorp); PubMed 15464432 (cited by 3 submitters); PubMed 11111101 (cited by Ambry Genetics); PubMed 28166604 (cited by Ambry Genetics); PubMed 16207203 (cited by GeneReviews); PubMed 20301322 (cited by GeneReviews); NCBI Bookshelf NBK1143 (cited by GeneReviews).

NM_001360.3(DHCR7):c.506C>T (p.Ser169Leu)

Gene: DHCR7 (7-dehydrocholesterol reductase; minus strand). Cytogenetic location: 11q13.4.
Variant type: single nucleotide variant.
Coding change: c.506C>T on transcript NM_001360.3 (MANE Select); coding-DNA position 506, C replaced by T.
Protein change: p.Ser169Leu; replaces serine 169 with leucine.
Molecular consequence: missense variant.
Genome position (GRCh38, 1-based): chr11:71,441,347, G>A on the plus strand (C>T on the coding strand, the complement: DHCR7 is on the minus strand). VCF-style: chr11-71441347-G-A. GRCh37 (hg19) VCF-style: chr11-71152393-G-A.
Other names: c.506C>T, p.Ser169Leu (NM_001163817.2); short protein forms S169L.
Identifiers: ClinVar variation 21274 (VCV000021274.42), dbSNP rs80338855, ClinGen allele CA341824.